The following is an entry in ClinVar:

NM_001003722.2(GLE1):c.1808G>T (p.Arg603Leu)

Genes: GLE1 (GLE1 RNA export mediator; plus strand), LOC101929270 (uncharacterized LOC101929270; minus strand). Cytogenetic location: 9q34.11.
Variant type: single nucleotide variant.
Coding change: c.1808G>T on transcript NM_001003722.2 (MANE Select); coding-DNA position 1808, G replaced by T.
Protein change: p.Arg603Leu; replaces arginine 603 with leucine.
Molecular consequence: missense variant.
Genome position (GRCh38, 1-based): chr9:128,538,017, G>T. VCF-style: chr9-128538017-G-T. GRCh37 (hg19) VCF-style: chr9-131300296-G-T.
Other names: c.1808G>T, p.Arg603Leu (NM_001499.2); short protein forms R603L.
Identifiers: ClinVar variation 419082 (VCV000419082.4), dbSNP rs376686581, ClinGen allele CA5263970.
Genomic context (GRCh38, chr9:128,538,017, plus strand): 5'-CAATGATAACCAAGCTTCTCTACTCCCAGATTCACCCTCATGGCTTAAATCATGGATGGC[G>T]CTGGTTGGCACAGATCTTAAACATGGAGCCCTTGTCAGATGTGACAGCCACCCTCCTCTT-3'
Protein context (NP_001003722.1, residues 593-613): IHPHGLNHGW[Arg603Leu]WLAQILNMEP

ClinVar aggregate classification (germline): Uncertain significance (1 of 4 stars; one submission).

Allele frequency attached by ClinVar (database versions not stated): TOPMed below 0.00001 and 0.00001; ExAC 0.00001; gnomAD 0.00001; ESP Exome Variant Server 0.00008.
gnomAD v4.1: 3 of 1,611,550 alleles (0.00019%); highest among the groups gnomAD compares: Non-Finnish European, 0.00025%; no homozygotes.

Submission:

GeneDx
Classification: Uncertain significance. Last evaluated: 2020-11-17. Review status: criteria provided, single submitter. Criteria: GeneDx Variant Classification Process June 2021. Collection method: clinical testing. Allele origin: germline. Affected: yes.
Comment: Observed in the heterozygous state in a patient with sporadic ALS in published literature (Kaneb et al., 2015); In silico analysis supports that this missense variant has a deleterious effect on protein structure/function; This variant is associated with the following publications: (PMID: 32537934, 28729373, 25343993)